The following is an entry in ClinVar:

NM_000219.6(KCNE1):c.257C>A (p.Ala86Asp)

Gene: KCNE1 (potassium voltage-gated channel subfamily E regulatory subunit 1; minus strand). Cytogenetic location: 21q22.12.
Variant type: single nucleotide variant.
Coding change: c.257C>A on transcript NM_000219.6 (MANE Select); coding-DNA position 257, C replaced by A.
Protein change: p.Ala86Asp; replaces alanine 86 with aspartic acid.
Molecular consequence: missense variant.
Genome position (GRCh38, 1-based): chr21:34,449,378, G>T on the plus strand (C>A on the coding strand, the complement: KCNE1 is on the minus strand). VCF-style: chr21-34449378-G-T. GRCh37 (hg19) VCF-style: chr21-35821676-G-T.
Other names: c.257C>A, p.Ala86Asp (NM_001127668.4, NM_001127669.4, NM_001127670.4 and 4 more transcripts); short protein forms A86D.
Identifiers: ClinVar variation 3374456 (VCV003374456.3).

ClinVar aggregate classification (germline): Uncertain significance (1 of 4 stars; one submission).

Submissions (2):

GeneDx
Classification: Uncertain significance. Last evaluated: 2025-04-14. Review status: criteria provided, single submitter. Criteria: GeneDx Variant Classification Process June 2021. Collection method: clinical testing. Allele origin: germline. Affected: yes.
Comment: Not observed at significant frequency in large population cohorts (gnomAD); In silico analysis indicates that this missense variant does not alter protein structure/function; Has not been previously published as pathogenic or benign to our knowledge

Roden Lab, Vanderbilt University Medical Center
No classification provided (evidence only). Condition: Long QT syndrome 5. Review status: no classification provided. Collection method: in vitro. Allele origin: not applicable. Functional consequence: Effect on ion channel function. Not counted in ClinVar's aggregate classification.
ClinVar note: "not provided" was previously submitted as the classification for the variant. However, the classification appeared to be based only on an observation of functional data so it was converted to no classification on 2025-07-30.